The following is an entry in ClinVar:

ClinVar aggregate classification (germline): Conflicting classifications of pathogenicity. Review status: criteria provided, conflicting classifications (1 of 4 stars). 9 submissions from 8 submitters: Uncertain significance (3); Likely benign (5). 1 of the submissions does not count toward it. Last evaluated 2026-09-01.

Conditions:
RYR1-related disorder. Also called: RYR1-related condition; RYR1-related disorders. Identifiers: MedGen CN239331.
Congenital multicore myopathy with external ophthalmoplegia (CMYO1B). Also called: Congenital myopathy 1B, autosomal recessive; Minicore myopathy; MULTICORE MYOPATHY; Minicore myopathy with external ophthalmoplegia; MULTIMINICORE DISEASE WITH EXTERNAL OPHTHALMOPLEGIA. Identifiers: Orphanet 598, Orphanet 98905, MedGen C1850674, MONDO:0009712, OMIM 255320, HP:0003789.
Malignant hyperthermia, susceptibility to, 1 (MHS1). Also called: Anesthesia related hyperthermia; Malignant hyperpyrexia; Fulminating hyperpyrexia; Pharmacogenic myopathy; RYR1-Related Malignant Hyperthermia Susceptibility; Malignant hyperthermia suceptibility 1. Identifiers: Orphanet 423, MedGen C2930980, MONDO:0007783, OMIM 145600.

Allele frequency attached by ClinVar (database versions not stated): gnomAD exomes 0.00009 and 0.00017; ExAC 0.00013; 1000 Genomes Project 30x 0.00016; 1000 Genomes Project 0.00020; ESP Exome Variant Server 0.00023; gnomAD 0.00040 and 0.00043; TOPMed 0.00041.
gnomAD v4.1: 200 of 1,614,008 alleles (0.012%); highest among the groups gnomAD compares: African/African-American, 0.13%; 1 homozygote.

Submissions (9):

CeGaT Center for Human Genetics Tuebingen
Classification: Likely benign. Last evaluated: 2026-09-01. Review status: criteria provided, single submitter. Criteria: CeGaT Center For Human Genetics Tuebingen Variant Classification Criteria Version 2. Collection method: clinical testing. Allele origin: germline. Affected: yes. Observed: 5 variant alleles.
Comment: RYR1: BP4, BP7

Labcorp Genetics (formerly Invitae), Labcorp
Classification: Likely benign for RYR1-related disorder. Last evaluated: 2026-01-14. Review status: criteria provided, single submitter. Criteria: Invitae Variant Classification Sherloc (09022015). Collection method: clinical testing. Allele origin: germline.

Blueprint Genetics
Classification: Likely benign. Last evaluated: 2023-10-19. Review status: criteria provided, single submitter. Criteria: ACMG Guidelines, 2015. Collection method: clinical testing. Allele origin: germline.

Color Diagnostics, LLC DBA Color Health
Classification: Likely benign for Malignant hyperthermia, susceptibility to, 1. Last evaluated: 2022-11-06. Review status: criteria provided, single submitter. Criteria: ACMG Guidelines, 2015. Collection method: clinical testing. Allele origin: germline.

GeneDx
Classification: Likely benign. Last evaluated: 2020-11-06. Review status: criteria provided, single submitter. Criteria: GeneDx Variant Classification Process June 2021. Collection method: clinical testing. Allele origin: germline. Affected: yes.

Illumina Laboratory Services, Illumina
Classification: Uncertain significance for Congenital multicore myopathy with external ophthalmoplegia. Last evaluated: 2018-01-13. Review status: criteria provided, single submitter. Criteria: ICSL Variant Classification Criteria 13 December 2019. Collection method: clinical testing. Allele origin: germline.

Illumina Laboratory Services, Illumina
Classification: Uncertain significance for Malignant hyperthermia, susceptibility to, 1. Last evaluated: 2018-01-13. Review status: criteria provided, single submitter. Criteria: ICSL Variant Classification Criteria 13 December 2019. Collection method: clinical testing. Allele origin: germline.

Eurofins Ntd Llc (ga)
Classification: Uncertain significance. Last evaluated: 2015-06-11. Review status: criteria provided, single submitter. Criteria: EGL Classification Definitions 2015. Collection method: clinical testing. Allele origin: germline. Observed: 3 variant alleles, 3 heterozygotes.

PreventionGenetics, part of Exact Sciences
Classification: Likely benign for RYR1-related condition. Last evaluated: 2019-08-14. Review status: no assertion criteria provided. Collection method: clinical testing. Allele origin: germline. Not counted in ClinVar's aggregate classification.
Comment: This variant is classified as likely benign based on ACMG/AMP sequence variant interpretation guidelines (Richards et al. 2015 PMID: 25741868, with internal and published modifications).

NM_000540.3(RYR1):c.6645C>T (p.Leu2215=)

Gene: RYR1 (ryanodine receptor 1; plus strand). Cytogenetic location: 19q13.2.
Variant type: single nucleotide variant.
Coding change: c.6645C>T on transcript NM_000540.3 (MANE Select); coding-DNA position 6645, C replaced by T.
Protein change: p.Leu2215=; no amino-acid change (leucine 2215 retained).
Molecular consequence: synonymous variant.
Genome position (GRCh38, 1-based): chr19:38,496,311, C>T. VCF-style: chr19-38496311-C-T. GRCh37 (hg19) VCF-style: chr19-38986951-C-T.
Other names: c.6645C>T, p.Leu2215= (NM_001042723.2).
Identifiers: ClinVar variation 93283 (VCV000093283.61), dbSNP rs146617004, ClinGen allele CA024637.